The following is an entry in ClinVar:

ClinVar aggregate classification (germline): Likely pathogenic (1 of 4 stars; one submission).

Conditions:
Hypophosphatasia. Also called: Phosphoethanol-aminuria. Identifiers: Orphanet 436, MedGen C0020630, MeSH D007014, MONDO:0018570.

Submission:

Genomenon, Inc
Classification: Likely pathogenic for Hypophosphatasia. Last evaluated: 2026-09-01. Review status: criteria provided, single submitter. Criteria: Genomenon Sequence Variant Interpretation Standards - Updated. Collection method: curation. Allele origin: germline. Affected: yes.
Comment: ALPL p.Tyr518PhefsTer? (c.1553_1569del) is a frameshift variant that results in the production of an extended protein product that disrupts the C-terminal GPI anchor signal sequence. This variant has been observed in at least one proband affected with an ALPL-related disorder (PMID:32160374). It is absent or not present at a significant frequency in gnomAD. In conclusion, we classify ALPL p.Tyr518PhefsTer? (c.1553_1569del) as a likely pathogenic variant.

Literature cited by the submitters: PubMed 32160374.

NM_000478.6(ALPL):c.1553_1569del (p.Tyr518fs)

Gene: ALPL (alkaline phosphatase, biomineralization associated; plus strand). Cytogenetic location: 1p36.12.
Variant type: Deletion.
Coding change: c.1553_1569del on transcript NM_000478.6 (MANE Select); coding-DNA positions 1553 to 1569, 17 bases deleted (ACCCCCTGAGCGTCCTG).
Protein change: p.Tyr518fs; shifts the reading frame from tyrosine 518.
Molecular consequence: frameshift variant.
Genome position (GRCh38, 1-based): chr1:21,577,626-21,577,642, ACCCCCTGAGCGTCCTG deleted. VCF-style (leftmost placement, unchanged base first): chr1-21577625-TACCCCCTGAGCGTCCTG-T. GRCh37 (hg19) VCF-style: chr1-21904118-TACCCCCTGAGCGTCCTG-T.
Other names: c.1388_1404del, p.Tyr463fs (NM_001127501.4); c.1322_1338del, p.Tyr441fs (NM_001177520.3); c.1553_1569del, p.Tyr518fs (NM_001369803.2, NM_001369804.2, NM_001369805.2); short protein forms Y441fs, Y463fs, Y518fs.
Identifiers: ClinVar variation 4974797 (VCV004974797.1).